The following is an entry in ClinVar:

NM_000466.3(PEX1):c.1768C>A (p.Leu590Ile)

Gene: PEX1 (peroxisomal biogenesis factor 1; minus strand). Cytogenetic location: 7q21.2.
Variant type: single nucleotide variant.
Coding change: c.1768C>A on transcript NM_000466.3 (MANE Select); coding-DNA position 1768, C replaced by A.
Protein change: p.Leu590Ile; replaces leucine 590 with isoleucine.
Molecular consequence: missense variant.
Genome position (GRCh38, 1-based): chr7:92,507,029, G>T on the plus strand (C>A on the coding strand, the complement: PEX1 is on the minus strand). VCF-style: chr7-92507029-G-T. GRCh37 (hg19) VCF-style: chr7-92136343-G-T.
Other names: c.1768C>A, p.Leu590Ile (NM_001282677.2); c.1144C>A, p.Leu382Ile (NM_001282678.2); c.1768C>A (NM_000466.2); short protein forms L382I, L590I.
Identifiers: ClinVar variation 3339146 (VCV003339146.2).

ClinVar aggregate classification (germline): Uncertain significance. Review status: criteria provided, multiple submitters, no conflicts (2 of 4 stars). 2 submissions from 2 submitters: Uncertain significance (2). Last evaluated 2024-09-24.

Conditions:
Inborn genetic diseases. Identifiers: MedGen C0950123, MeSH D030342.

gnomAD v4.1: 5 of 1,613,936 alleles (0.00031%); highest among the groups gnomAD compares: Non-Finnish European, 0.00042%; no homozygotes.

Submissions (2):

Ambry Genetics
Classification: Uncertain significance for Inborn genetic diseases. Last evaluated: 2024-09-24. Review status: criteria provided, single submitter. Criteria: Ambry Variant Classification Scheme 2023. Collection method: clinical testing. Allele origin: germline.

Women's Health and Genetics/Laboratory Corporation of America, LabCorp
Classification: Uncertain significance. Last evaluated: 2024-07-03. Review status: criteria provided, single submitter. Criteria: LabCorp Variant Classification Summary - May 2015. Collection method: clinical testing. Allele origin: germline.
Comment: Variant summary: PEX1 c.1768C>A (p.Leu590Ile) results in a conservative amino acid change in the encoded protein sequence. Three of five in-silico tools predict a damaging effect of the variant on protein function. The variant was absent in 251460 control chromosomes. The available data on variant occurrences in the general population are insufficient to allow any conclusion about variant significance. To our knowledge, no occurrence of c.1768C>A in individuals affected with Zellweger Syndrome and no experimental evidence demonstrating its impact on protein function have been reported. No submitters have cited clinical-significance assessments for this variant to ClinVar. Based on the evidence outlined above, the variant was classified as uncertain significance.